The following is an entry in ClinVar:

ClinVar aggregate classification (germline): Uncertain significance (1 of 4 stars; one submission).

Allele frequency attached by ClinVar (database versions not stated): TOPMed 0.00001.

Submission:

Labcorp Genetics (formerly Invitae), Labcorp
Classification: Uncertain significance. Last evaluated: 2023-07-07. Review status: criteria provided, single submitter. Criteria: Invitae Variant Classification Sherloc (09022015). Collection method: clinical testing. Allele origin: germline.
Comment: This variant is not present in population databases (gnomAD no frequency). In summary, the available evidence is currently insufficient to determine the role of this variant in disease. Therefore, it has been classified as a Variant of Uncertain Significance. Advanced modeling of protein sequence and biophysical properties (such as structural, functional, and spatial information, amino acid conservation, physicochemical variation, residue mobility, and thermodynamic stability) performed at Invitae indicates that this missense variant is expected to disrupt ITM2B protein function. This missense change has been observed in individual(s) with dementia (PMID: 29525180). This sequence change replaces histidine, which is basic and polar, with arginine, which is basic and polar, at codon 253 of the ITM2B protein (p.His253Arg).

Literature cited by the submitters: PubMed 29525180.

NM_021999.5(ITM2B):c.758A>G (p.His253Arg)

Gene: ITM2B (integral membrane protein 2B; plus strand). Cytogenetic location: 13q14.2.
Variant type: single nucleotide variant.
Coding change: c.758A>G on transcript NM_021999.5 (MANE Select); coding-DNA position 758, A replaced by G.
Protein change: p.His253Arg; replaces histidine 253 with arginine.
Molecular consequence: missense variant.
Genome position (GRCh38, 1-based): chr13:48,261,181, A>G. VCF-style: chr13-48261181-A-G. GRCh37 (hg19) VCF-style: chr13-48835317-A-G.
Other names: short protein forms H253R.
Identifiers: ClinVar variation 2910339 (VCV002910339.3), dbSNP rs1951820160, ClinGen allele CA388252202.